The following is an entry in ClinVar:

NM_198586.3(NHLRC1):c.254C>T (p.Pro85Leu)

Gene: NHLRC1 (NHL repeat containing E3 ubiquitin protein ligase 1; minus strand). Cytogenetic location: 6p22.3.
Variant type: single nucleotide variant.
Coding change: c.254C>T on transcript NM_198586.3 (MANE Select); coding-DNA position 254, C replaced by T.
Protein change: p.Pro85Leu; replaces proline 85 with leucine.
Molecular consequence: missense variant.
Genome position (GRCh38, 1-based): chr6:18,122,353, G>A on the plus strand (C>T on the coding strand, the complement: NHLRC1 is on the minus strand). VCF-style: chr6-18122353-G-A. GRCh37 (hg19) VCF-style: chr6-18122584-G-A.
Other names: short protein forms P85L.
Identifiers: ClinVar variation 4278919 (VCV004278919.1).

ClinVar aggregate classification (germline): Uncertain significance (1 of 4 stars; one submission).

gnomAD v4.1: 1 of 1,573,632 alleles (0.000064%); highest among the groups gnomAD compares: Non-Finnish European, 0.000086%; no homozygotes.

Submission:

GeneDx
Classification: Uncertain significance. Last evaluated: 2025-04-05. Review status: criteria provided, single submitter. Criteria: GeneDx Variant Classification Process June 2021. Collection method: clinical testing. Allele origin: germline. Affected: yes.
Comment: Not observed at significant frequency in large population cohorts (gnomAD); In silico analysis supports that this missense variant has a deleterious effect on protein structure/function; Has not been previously published as pathogenic or benign to our knowledge